The following is an entry in ClinVar:

NM_000037.4(ANK1):c.2559-1G>T

Gene: ANK1 (ankyrin 1; minus strand). Cytogenetic location: 8p11.21.
Variant type: single nucleotide variant.
Coding change: c.2559-1G>T on transcript NM_000037.4 (MANE Select); the canonical splice acceptor site of the intron before coding-DNA position 2559, G replaced by T.
Molecular consequence: splice acceptor variant.
Genome position (GRCh38, 1-based): chr8:41,698,122, C>A on the plus strand (G>T on the coding strand, the complement: ANK1 is on the minus strand). VCF-style: chr8-41698122-C-A. GRCh37 (hg19) VCF-style: chr8-41555640-C-A.
Other names: c.2682-1G>T (NM_001142446.2); c.2559-1G>T (NM_020477.3, NM_020475.3, NM_020476.3).
Identifiers: ClinVar variation 3641330 (VCV003641330.2).
Genomic context (GRCh38, chr8:41,698,122, plus strand): 5'-CTGATCACCACTGTCTCAGGCATGGCACAGGGAATCCTGGGGATGGCTGGAGATTCCACC[C>A]TGCGTGCCAAGAACACCAGAACATCACAGGGCTGATCCACATGTGCACACAGCTCCTCTT-3'

ClinVar aggregate classification (germline): Likely pathogenic (1 of 4 stars; one submission).

Submission:

Labcorp Genetics (formerly Invitae), Labcorp
Classification: Likely pathogenic. Last evaluated: 2024-02-17. Review status: criteria provided, single submitter. Criteria: Invitae Variant Classification Sherloc (09022015). Collection method: clinical testing. Allele origin: germline.
Comment: This sequence change affects an acceptor splice site in intron 23 of the ANK1 gene. It is expected to disrupt RNA splicing. Variants that disrupt the donor or acceptor splice site typically lead to a loss of protein function (PMID: 16199547), and loss-of-function variants in ANK1 are known to be pathogenic (PMID: 8640229). This variant is not present in population databases (gnomAD no frequency). Disruption of this splice site has been observed in individual(s) with clinical features of ANK1-related conditions (PMID: 32266426). Algorithms developed to predict the effect of sequence changes on RNA splicing suggest that this variant may disrupt the consensus splice site. In summary, the currently available evidence indicates that the variant is pathogenic, but additional data are needed to prove that conclusively. Therefore, this variant has been classified as Likely Pathogenic.

Literature cited by the submitters: PubMed 16199547; PubMed 8640229; PubMed 32266426.